The following is an entry in ClinVar:

ClinVar aggregate classification (germline): Uncertain significance (1 of 4 stars; one submission).

Conditions:
Hereditary diffuse gastric adenocarcinoma (HDGC). Also called: DIFFUSE GASTRIC AND LOBULAR BREAST CANCER SYNDROME. Identifiers: Orphanet 26106, MedGen C1708349, MONDO:0007648, OMIM 137215.

Submission:

Labcorp Genetics (formerly Invitae), Labcorp
Classification: Uncertain significance for Hereditary diffuse gastric adenocarcinoma. Last evaluated: 2026-02-01. Review status: criteria provided, single submitter. Criteria: Invitae Variant Classification Sherloc (09022015). Collection method: clinical testing. Allele origin: germline.
Comment: This sequence change replaces alanine, which is neutral and non-polar, with threonine, which is neutral and polar, at codon 802 of the CDH1 protein (p.Ala802Thr). This variant is not present in population databases (gnomAD no frequency). This variant has not been reported in the literature in individuals affected with CDH1-related conditions. ClinVar contains an entry for this variant (Variation ID: 1376050). An algorithm developed to predict the effect of missense changes on protein structure and function (PolyPhen-2) suggests that this variant is likely to be disruptive. In summary, the available evidence is currently insufficient to determine the role of this variant in disease. Therefore, it has been classified as a Variant of Uncertain Significance.

NM_004360.5(CDH1):c.2404G>A (p.Ala802Thr)

Gene: CDH1 (cadherin 1; plus strand). Cytogenetic location: 16q22.1.
Variant type: single nucleotide variant.
Coding change: c.2404G>A on transcript NM_004360.5 (MANE Select); coding-DNA position 2404, G replaced by A.
Protein change: p.Ala802Thr; replaces alanine 802 with threonine.
Molecular consequence: missense variant.
Genome position (GRCh38, 1-based): chr16:68,829,762, G>A. VCF-style: chr16-68829762-G-A. GRCh37 (hg19) VCF-style: chr16-68863665-G-A.
Other names: c.2221G>A, p.Ala741Thr (NM_001317184.2); c.856G>A, p.Ala286Thr (NM_001317185.2); c.439G>A, p.Ala147Thr (NM_001317186.2); short protein forms A286T, A741T, A802T, A147T.
Identifiers: ClinVar variation 1376050 (VCV001376050.6), dbSNP rs2152142424, ClinGen allele CA396471224.